The following is an entry in ClinVar:

NM_000256.3(MYBPC3):c.2179G>T (p.Val727Leu)

Gene: MYBPC3 (myosin binding protein C3; minus strand). Cytogenetic location: 11p11.2.
Variant type: single nucleotide variant.
Coding change: c.2179G>T on transcript NM_000256.3 (MANE Select); coding-DNA position 2179, G replaced by T.
Protein change: p.Val727Leu; replaces valine 727 with leucine.
Molecular consequence: missense variant.
Genome position (GRCh38, 1-based): chr11:47,338,649, C>A on the plus strand (G>T on the coding strand, the complement: MYBPC3 is on the minus strand). VCF-style: chr11-47338649-C-A. GRCh37 (hg19) VCF-style: chr11-47360200-C-A.
Other names: short protein forms V727L.
Identifiers: ClinVar variation 3699589 (VCV003699589.2).
Genomic context (GRCh38, chr11:47,338,649, plus strand): 5'-CCTCATCTTCCTTCTCTGCCCCCTCGACCGTGAAGATGCTGCGGTCCTTGGTGGTCTCCA[C>A]GCGGACCCGGCCCTCGGTCTCACACAGCAGCTGGGGGGGTGCAGAGTTGGGGTGAGATCC-3'
Protein context (NP_000247.2, residues 717-737): LLCETEGRVR[Val727Leu]ETTKDRSIFT

ClinVar aggregate classification (germline): Uncertain significance (1 of 4 stars; one submission).

Conditions:
Hypertrophic cardiomyopathy. Also called: HYPERTROPHIC MYOCARDIOPATHY. Identifiers: Orphanet 217569, MedGen C0007194, MeSH D002312, MONDO:0005045, HP:0001639.

gnomAD v4.1: 12 of 1,613,686 alleles (0.00074%); highest among the groups gnomAD compares: South Asian, 0.0011%; no homozygotes.

Submission:

Labcorp Genetics (formerly Invitae), Labcorp
Classification: Uncertain significance for Hypertrophic cardiomyopathy. Last evaluated: 2024-02-07. Review status: criteria provided, single submitter. Criteria: Invitae Variant Classification Sherloc (09022015). Collection method: clinical testing. Allele origin: germline.
Comment: This sequence change replaces valine, which is neutral and non-polar, with leucine, which is neutral and non-polar, at codon 727 of the MYBPC3 protein (p.Val727Leu). This variant is present in population databases (no rsID available, gnomAD 0.005%). This missense change has been observed in individual(s) with hypertrophic cardiomyopathy (PMID: 33782553). An algorithm developed to predict the effect of missense changes on protein structure and function (PolyPhen-2) suggests that this variant is likely to be disruptive. In summary, the available evidence is currently insufficient to determine the role of this variant in disease. Therefore, it has been classified as a Variant of Uncertain Significance.

Literature cited by the submitters: PubMed 33782553.